The following is an entry in ClinVar:

NM_000389.5(CDKN1A):c.93C>T (p.Ser31=)

Gene: CDKN1A (cyclin dependent kinase inhibitor 1A; plus strand). Cytogenetic location: 6p21.2.
Variant type: single nucleotide variant.
Coding change: c.93C>T on transcript NM_000389.5 (MANE Select); coding-DNA position 93, C replaced by T.
Protein change: p.Ser31=; no amino-acid change (serine 31 retained).
Molecular consequence: synonymous variant.
Genome position (GRCh38, 1-based): chr6:36,684,194, C>T. VCF-style: chr6-36684194-C-T. GRCh37 (hg19) VCF-style: chr6-36651971-C-T.
Other names: c.93C>T, p.Ser31= (NM_001220777.2, NM_001220778.2, NM_001374511.1 and 3 more transcripts); c.195C>T, p.Ser65= (NM_001291549.3, NM_001374509.1); c.132C>T, p.Ser44= (NM_001374510.1).
Identifiers: ClinVar variation 2656516 (VCV002656516.25), dbSNP rs1801270, ClinGen allele CA3780328.

ClinVar aggregate classification (germline): Likely benign. Review status: criteria provided, multiple submitters, no conflicts (2 of 4 stars). 2 submissions from 2 submitters: Likely benign (2). Last evaluated 2025-03-01.

Submissions (2):

CeGaT Center for Human Genetics Tuebingen
Classification: Likely benign. Last evaluated: 2025-03-01. Review status: criteria provided, single submitter. Criteria: CeGaT Center For Human Genetics Tuebingen Variant Classification Criteria Version 2. Collection method: clinical testing. Allele origin: germline. Affected: yes. Observed: 3 variant alleles.
Comment: CDKN1A: BP4, BP7

Blueprint Genetics
Classification: Likely benign. Last evaluated: 2024-08-21. Review status: criteria provided, single submitter. Criteria: ACMG Guidelines, 2015. Collection method: clinical testing. Allele origin: germline.